The following is an entry in ClinVar:

NM_004646.4(NPHS1):c.1309G>A (p.Val437Ile)

Gene: NPHS1 (NPHS1 adhesion molecule, nephrin; minus strand). Cytogenetic location: 19q13.12.
Variant type: single nucleotide variant.
Coding change: c.1309G>A on transcript NM_004646.4 (MANE Select); coding-DNA position 1309, G replaced by A.
Protein change: p.Val437Ile; replaces valine 437 with isoleucine.
Molecular consequence: missense variant.
Genome position (GRCh38, 1-based): chr19:35,848,259, C>T on the plus strand (G>A on the coding strand, the complement: NPHS1 is on the minus strand). VCF-style: chr19-35848259-C-T. GRCh37 (hg19) VCF-style: chr19-36339161-C-T.
Other names: short protein forms V437I.
Identifiers: ClinVar variation 1422677 (VCV001422677.4), dbSNP rs751182197, ClinGen allele CA9390481.

ClinVar aggregate classification (germline): Uncertain significance. Review status: criteria provided, multiple submitters, no conflicts (2 of 4 stars). 2 submissions from 2 submitters: Uncertain significance (2). Last evaluated 2022-08-23.

Conditions:
Finnish congenital nephrotic syndrome (NPHS1). Also called: NEPHROTIC SYNDROME, TYPE 1. Identifiers: Orphanet 839, MedGen C0403399, MONDO:0009732, OMIM 256300.

Allele frequency attached by ClinVar (database versions not stated): gnomAD 0.00001; ExAC 0.00002; gnomAD exomes 0.00004.

Submissions (2):

Labcorp Genetics (formerly Invitae), Labcorp
Classification: Uncertain significance. Last evaluated: 2022-08-23. Review status: criteria provided, single submitter. Criteria: Invitae Variant Classification Sherloc (09022015). Collection method: clinical testing. Allele origin: germline.
Comment: This sequence change replaces valine, which is neutral and non-polar, with isoleucine, which is neutral and non-polar, at codon 437 of the NPHS1 protein (p.Val437Ile). This variant is present in population databases (rs751182197, gnomAD 0.01%). This variant has not been reported in the literature in individuals affected with NPHS1-related conditions. ClinVar contains an entry for this variant (Variation ID: 1422677). Advanced modeling of protein sequence and biophysical properties (such as structural, functional, and spatial information, amino acid conservation, physicochemical variation, residue mobility, and thermodynamic stability) performed at Invitae indicates that this missense variant is not expected to disrupt NPHS1 protein function. In summary, the available evidence is currently insufficient to determine the role of this variant in disease. Therefore, it has been classified as a Variant of Uncertain Significance.

Fulgent Genetics
Classification: Uncertain significance for Finnish congenital nephrotic syndrome. Last evaluated: 2021-11-19. Review status: criteria provided, single submitter. Criteria: ACMG Guidelines, 2015. Collection method: clinical testing. Allele origin: unknown.